The following is an entry in ClinVar:

ClinVar aggregate classification (germline): Uncertain significance (1 of 4 stars; one submission).

Allele frequency attached by ClinVar (database versions not stated): gnomAD exomes below 0.00001.
gnomAD v4.1: 3 of 1,614,232 alleles (0.00019%); highest among the groups gnomAD compares: South Asian, 0.0011%; no homozygotes.

Submission:

Labcorp Genetics (formerly Invitae), Labcorp
Classification: Uncertain significance. Last evaluated: 2022-08-23. Review status: criteria provided, single submitter. Criteria: Invitae Variant Classification Sherloc (09022015). Collection method: clinical testing. Allele origin: germline.
Comment: In summary, the available evidence is currently insufficient to determine the role of this variant in disease. Therefore, it has been classified as a Variant of Uncertain Significance. Algorithms developed to predict the effect of missense changes on protein structure and function are either unavailable or do not agree on the potential impact of this missense change (SIFT: "Deleterious"; PolyPhen-2: "Probably Damaging"; Align-GVGD: "Class C15"). This missense change has been observed in individual(s) with clinical features of EXTL3-related disorders and/or severe combined immunodeficiency (PMID: 32506361; Invitae). This variant is not present in population databases (gnomAD no frequency). This sequence change replaces methionine, which is neutral and non-polar, with valine, which is neutral and non-polar, at codon 836 of the EXTL3 protein (p.Met836Val).

Literature cited by the submitters: PubMed 32506361.

NM_001440.4(EXTL3):c.2506A>G (p.Met836Val)

Gene: EXTL3 (exostosin like glycosyltransferase 3; plus strand). Cytogenetic location: 8p21.1.
Variant type: single nucleotide variant.
Coding change: c.2506A>G on transcript NM_001440.4 (MANE Select); coding-DNA position 2506, A replaced by G.
Protein change: p.Met836Val; replaces methionine 836 with valine.
Molecular consequence: missense variant. On other transcripts: non-coding transcript variant (1).
Genome position (GRCh38, 1-based): chr8:28,743,170, A>G. VCF-style: chr8-28743170-A-G. GRCh37 (hg19) VCF-style: chr8-28600687-A-G.
Other names: short protein forms M836V.
Identifiers: ClinVar variation 2098478 (VCV002098478.4), dbSNP rs2486735249, ClinGen allele CA370849738.
Genomic context (GRCh38, chr8:28,743,170, plus strand): 5'-GTGATGCCCCAGGCCATCCGGGACATGGTGGATGAATACATCAACTGTGAGGACATTGCC[A>G]TGAACTTCCTTGTCTCCCACATCACTCGGAAGCCCCCCATCAAGGTGAGGTCCCACCACT-3'
Protein context (NP_001431.1, residues 826-846): DEYINCEDIA[Met836Val]NFLVSHITRK